The following is an entry in ClinVar:

NM_014363.6(SACS):c.3857C>T (p.Pro1286Leu)

Gene: SACS (sacsin molecular chaperone; minus strand). Cytogenetic location: 13q12.12.
Variant type: single nucleotide variant.
Coding change: c.3857C>T on transcript NM_014363.6 (MANE Select); coding-DNA position 3857, C replaced by T.
Protein change: p.Pro1286Leu; replaces proline 1286 with leucine.
Molecular consequence: missense variant.
Genome position (GRCh38, 1-based): chr13:23,340,019, G>A on the plus strand (C>T on the coding strand, the complement: SACS is on the minus strand). VCF-style: chr13-23340019-G-A. GRCh37 (hg19) VCF-style: chr13-23914158-G-A.
Other names: c.3416C>T, p.Pro1139Leu (NM_001278055.2); c.3857C>T (NM_014363.4); short protein forms P1139L, P1286L.
Identifiers: ClinVar variation 2421768 (VCV002421768.3), dbSNP rs1252801385, ClinGen allele CA387533407.

ClinVar aggregate classification (germline): Uncertain significance. Review status: criteria provided, multiple submitters, no conflicts (2 of 4 stars). 2 submissions from 2 submitters: Uncertain significance (2). Last evaluated 2025-04-17.

Conditions:
Inborn genetic diseases. Identifiers: MedGen C0950123, MeSH D030342.
Spastic paraplegia. Identifiers: MedGen C0037772, HP:0001258.

Allele frequency attached by ClinVar (database versions not stated): gnomAD exomes below 0.00001; gnomAD 0.00002; TOPMed 0.00002.
gnomAD v4.1: 4 of 1,613,410 alleles (0.00025%); highest among the groups gnomAD compares: Admixed American, 0.0067%; no homozygotes.

Submissions (2):

Ambry Genetics
Classification: Uncertain significance for Inborn genetic diseases. Last evaluated: 2025-04-17. Review status: criteria provided, single submitter. Criteria: Ambry Variant Classification Scheme 2023. Collection method: clinical testing. Allele origin: germline.

Labcorp Genetics (formerly Invitae), Labcorp
Classification: Uncertain significance for Spastic paraplegia. Last evaluated: 2022-07-04. Review status: criteria provided, single submitter. Criteria: Invitae Variant Classification Sherloc (09022015). Collection method: clinical testing. Allele origin: germline.
Comment: This sequence change replaces proline, which is neutral and non-polar, with leucine, which is neutral and non-polar, at codon 1286 of the SACS protein (p.Pro1286Leu). This variant is present in population databases (no rsID available, gnomAD 0.1%). This variant has not been reported in the literature in individuals affected with SACS-related conditions. Advanced modeling of protein sequence and biophysical properties (such as structural, functional, and spatial information, amino acid conservation, physicochemical variation, residue mobility, and thermodynamic stability) performed at Invitae indicates that this missense variant is not expected to disrupt SACS protein function. In summary, the available evidence is currently insufficient to determine the role of this variant in disease. Therefore, it has been classified as a Variant of Uncertain Significance.